The following is an entry in ClinVar:

NM_002485.5(NBN):c.1619A>T (p.His540Leu)

Gene: NBN (nibrin; minus strand). Cytogenetic location: 8q21.3.
Variant type: single nucleotide variant.
Coding change: c.1619A>T on transcript NM_002485.5 (MANE Select); coding-DNA position 1619, A replaced by T.
Protein change: p.His540Leu; replaces histidine 540 with leucine.
Molecular consequence: missense variant.
Genome position (GRCh38, 1-based): chr8:89,953,470, T>A on the plus strand (A>T on the coding strand, the complement: NBN is on the minus strand). VCF-style: chr8-89953470-T-A. GRCh37 (hg19) VCF-style: chr8-90965698-T-A.
Other names: c.1373A>T, p.His458Leu (NM_001024688.3); short protein forms H458L, H540L.
Identifiers: ClinVar variation 1718612 (VCV001718612.5), dbSNP rs730881852, ClinGen allele CA371655465.

ClinVar aggregate classification (germline): Uncertain significance (1 of 4 stars; one submission).

Conditions:
Microcephaly, normal intelligence and immunodeficiency (NBS). Also called: Nijmegen breakage syndrome; Microcephaly with normal intelligence immunodeficiency and lymphoreticular malignancies; Nonsyndromal microcephaly autosomal recessive with normal intelligence; Seemanova syndrome 2; Ataxia telangiectasia variant V1; SEEMANOVA SYNDROME II. Identifiers: Orphanet 647, MedGen C0398791, MONDO:0009623, OMIM 251260.

Submission:

Labcorp Genetics (formerly Invitae), Labcorp
Classification: Uncertain significance for Microcephaly, normal intelligence and immunodeficiency. Last evaluated: 2024-04-29. Review status: criteria provided, single submitter. Criteria: Invitae Variant Classification Sherloc (09022015). Collection method: clinical testing. Allele origin: germline.
Comment: This sequence change replaces histidine, which is basic and polar, with leucine, which is neutral and non-polar, at codon 540 of the NBN protein (p.His540Leu). This variant is not present in population databases (gnomAD no frequency). This variant has not been reported in the literature in individuals affected with NBN-related conditions. ClinVar contains an entry for this variant (Variation ID: 1718612). Algorithms developed to predict the effect of missense changes on protein structure and function output the following: SIFT: "Not Available"; PolyPhen-2: "Benign"; Align-GVGD: "Not Available". The leucine amino acid residue is found in multiple mammalian species, which suggests that this missense change does not adversely affect protein function. In summary, the available evidence is currently insufficient to determine the role of this variant in disease. Therefore, it has been classified as a Variant of Uncertain Significance.